The following is an entry in ClinVar:

NM_006766.5(KAT6A):c.1501C>G (p.Pro501Ala)

Gene: KAT6A (lysine acetyltransferase 6A; minus strand). Cytogenetic location: 8p11.21.
Variant type: single nucleotide variant.
Coding change: c.1501C>G on transcript NM_006766.5 (MANE Select); coding-DNA position 1501, C replaced by G.
Protein change: p.Pro501Ala; replaces proline 501 with alanine.
Molecular consequence: missense variant.
Genome position (GRCh38, 1-based): chr8:41,955,393, G>C on the plus strand (C>G on the coding strand, the complement: KAT6A is on the minus strand). VCF-style: chr8-41955393-G-C. GRCh37 (hg19) VCF-style: chr8-41812911-G-C.
Other names: c.1501C>G, p.Pro501Ala (NM_001305878.2); short protein forms P501A.
Identifiers: ClinVar variation 3003848 (VCV003003848.3), dbSNP rs1179898343, ClinGen allele CA371074706.
Genomic context (GRCh38, chr8:41,955,393, plus strand): 5'-TGTGAATTTCATACTTCCCAAACTCAATGACAGAGGGACAGCGGACTTGTGGATCAGGGG[G>C]ACCAGTCACTCCAACTTTCTGTGCAGTCAAGAAATACATTCAAAAGTTAGCTAAATTAGA-3'
Protein context (NP_006757.2, residues 491-511): QALQKVGVTG[Pro501Ala]PDPQVRCPSV

ClinVar aggregate classification (germline): Uncertain significance (1 of 4 stars; one submission).

Submission:

Labcorp Genetics (formerly Invitae), Labcorp
Classification: Uncertain significance. Last evaluated: 2023-08-28. Review status: criteria provided, single submitter. Criteria: Invitae Variant Classification Sherloc (09022015). Collection method: clinical testing. Allele origin: germline.
Comment: This variant is not present in population databases (gnomAD no frequency). This variant has not been reported in the literature in individuals affected with KAT6A-related conditions. Advanced modeling of protein sequence and biophysical properties (such as structural, functional, and spatial information, amino acid conservation, physicochemical variation, residue mobility, and thermodynamic stability) performed at Invitae indicates that this missense variant is not expected to disrupt KAT6A protein function. In summary, the available evidence is currently insufficient to determine the role of this variant in disease. Therefore, it has been classified as a Variant of Uncertain Significance. This sequence change replaces proline, which is neutral and non-polar, with alanine, which is neutral and non-polar, at codon 501 of the KAT6A protein (p.Pro501Ala).